The following is an entry in ClinVar:

NM_152703.5(SAMD9L):c.2588C>A (p.Ser863Tyr)

Gene: SAMD9L (sterile alpha motif domain containing 9 like; minus strand). Cytogenetic location: 7q21.2.
Variant type: single nucleotide variant.
Coding change: c.2588C>A on transcript NM_152703.5 (MANE Select); coding-DNA position 2588, C replaced by A.
Protein change: p.Ser863Tyr; replaces serine 863 with tyrosine.
Molecular consequence: missense variant.
Genome position (GRCh38, 1-based): chr7:93,133,384, G>T on the plus strand (C>A on the coding strand, the complement: SAMD9L is on the minus strand). VCF-style: chr7-93133384-G-T. GRCh37 (hg19) VCF-style: chr7-92762697-G-T.
Other names: c.2588C>A, p.Ser863Tyr (NM_001303496.3, NM_001303497.3, NM_001303498.3 and 5 more transcripts); short protein forms S863Y.
Identifiers: ClinVar variation 4745996 (VCV004745996.1).
Genomic context (GRCh38, chr7:93,133,384, plus strand): 5'-CAGTTCTTGTGCTGCTTTTCAATTTCCTTCAGTTTGGCACCAAAAGCTCTTTGTTCCTTG[G>T]AAGAAAGTTGGTAATTTAGTGCAATACTGTCTGCCAATTTTGCACTTTCATCTGGATTCC-3'
Protein context (NP_689916.2, residues 853-873): DSIALNYQLS[Ser863Tyr]KEQRAFGAKL

ClinVar aggregate classification (germline): Uncertain significance (1 of 4 stars; one submission).

gnomAD v4.1: 4 of 1,613,720 alleles (0.00025%); highest among the groups gnomAD compares: Non-Finnish European, 0.00034%; no homozygotes.

Submission:

Labcorp Genetics (formerly Invitae), Labcorp
Classification: Uncertain significance. Last evaluated: 2025-06-22. Review status: criteria provided, single submitter. Criteria: Invitae Variant Classification Sherloc (09022015). Collection method: clinical testing. Allele origin: germline.
Comment: This sequence change replaces serine, which is neutral and polar, with tyrosine, which is neutral and polar, at codon 863 of the SAMD9L protein (p.Ser863Tyr). This variant is not present in population databases (gnomAD no frequency). This variant has not been reported in the literature in individuals affected with SAMD9L-related conditions. Invitae Evidence Modeling of protein sequence and biophysical properties (such as structural, functional, and spatial information, amino acid conservation, physicochemical variation, residue mobility, and thermodynamic stability) indicates that this missense variant is not expected to disrupt SAMD9L protein function with a negative predictive value of 80%. In summary, the available evidence is currently insufficient to determine the role of this variant in disease. Therefore, it has been classified as a Variant of Uncertain Significance.